The following is an entry in ClinVar:

NM_006361.6(HOXB13):c.199C>T (p.Pro67Ser)

Gene: HOXB13 (homeobox B13; minus strand). Cytogenetic location: 17q21.32.
Variant type: single nucleotide variant.
Coding change: c.199C>T on transcript NM_006361.6 (MANE Select); coding-DNA position 199, C replaced by T.
Protein change: p.Pro67Ser; replaces proline 67 with serine.
Molecular consequence: missense variant.
Genome position (GRCh38, 1-based): chr17:48,728,395, G>A on the plus strand (C>T on the coding strand, the complement: HOXB13 is on the minus strand). VCF-style: chr17-48728395-G-A. GRCh37 (hg19) VCF-style: chr17-46805757-G-A.
Other names: p.P67S:CCT>TCT; short protein forms P67S.
Identifiers: ClinVar variation 128030 (VCV000128030.16), dbSNP rs587780161, ClinGen allele CA288222.
Genomic context (GRCh38, chr17:48,728,395, plus strand): 5'-ACCCGCCTCCAAAGTAACCATAAGGCACGGGAGCTGGGGACGTCCCCTGGGGCACCCCAG[G>A]GCATGGGTGGCATTGCTTTGGCGGCTCCGCCGAGCCTGGCAGATCCAAGGGGGCATAGTT-3'
Protein context (NP_006352.2, residues 57-77): AEPPKQCHPC[Pro67Ser]GVPQGTSPAP

ClinVar aggregate classification (germline): Uncertain significance. Review status: criteria provided, multiple submitters, no conflicts (2 of 4 stars). 5 submissions from 5 submitters: Uncertain significance (5). Last evaluated 2026-02-03.

Conditions:
Hereditary cancer-predisposing syndrome. Also called: Hereditary neoplastic syndrome; Neoplastic Syndromes, Hereditary; Hereditary Cancer Syndrome; Tumor predisposition. Identifiers: Orphanet 140162, MedGen C0027672, MeSH D009386, MONDO:0015356.

Allele frequency attached by ClinVar (database versions not stated): ExAC 0.00001; gnomAD 0.00001; gnomAD exomes 0.00001 and 0.00002; TOPMed 0.00001.

Submissions (5):

Labcorp Genetics (formerly Invitae), Labcorp
Classification: Uncertain significance. Last evaluated: 2026-02-03. Review status: criteria provided, single submitter. Criteria: Invitae Variant Classification Sherloc (09022015). Collection method: clinical testing. Allele origin: germline.
Comment: This sequence change replaces proline, which is neutral and non-polar, with serine, which is neutral and polar, at codon 67 of the HOXB13 protein (p.Pro67Ser). This variant is present in population databases (rs587780161, gnomAD 0.002%). This variant has not been reported in the literature in individuals affected with HOXB13-related conditions. ClinVar contains an entry for this variant (Variation ID: 128030). Invitae Evidence Modeling of protein sequence and biophysical properties (such as structural, functional, and spatial information, amino acid conservation, physicochemical variation, residue mobility, and thermodynamic stability) indicates that this missense variant is not expected to disrupt HOXB13 protein function with a negative predictive value of 80%. In summary, the available evidence is currently insufficient to determine the role of this variant in disease. Therefore, it has been classified as a Variant of Uncertain Significance.

Ambry Genetics
Classification: Uncertain significance for Hereditary cancer-predisposing syndrome. Last evaluated: 2025-11-18. Review status: criteria provided, single submitter. Criteria: Ambry Variant Classification Scheme 2023. Collection method: clinical testing. Allele origin: germline.
Comment: The p.P67S variant (also known as c.199C>T), located in coding exon 1 of the HOXB13 gene, results from a C to T substitution at nucleotide position 199. The proline at codon 67 is replaced by serine, an amino acid with similar properties. This amino acid position is not well conserved in available vertebrate species. In addition, this alteration is predicted to be tolerated by in silico analysis. Since supporting evidence is limited at this time, the clinical significance of this alteration remains unclear.

Quest Diagnostics Nichols Institute San Juan Capistrano
Classification: Uncertain significance. Last evaluated: 2024-01-05. Review status: criteria provided, single submitter. Criteria: Quest Diagnostics criteria. Collection method: clinical testing. Allele origin: unknown.
Comment: The HOXB13 c.199C>T (p.Pro67Ser) variant has been reported in the published literature in as neutral in a computational model predicting functional effects (PMID: 28272408 (2017)). The frequency of this variant in the general population, 0.000016 (4/249620 chromosomes (Genome Aggregation Database)), is uninformative in the assessment of its pathogenicity. Analysis of this variant using bioinformatics tools for the prediction of the effect of amino acid changes on protein structure and function yielded predictions that this variant is benign. Based on the available information, we are unable to determine the clinical significance of this variant.

GeneDx
Classification: Uncertain significance. Last evaluated: 2023-02-27. Review status: criteria provided, single submitter. Criteria: GeneDx Variant Classification Process June 2021. Collection method: clinical testing. Allele origin: germline. Affected: yes.
Comment: Not observed at significant frequency in large population cohorts (gnomAD); In silico analysis supports that this missense variant does not alter protein structure/function; Has not been previously published as pathogenic or benign to our knowledge

Women's Health and Genetics/Laboratory Corporation of America, LabCorp
Classification: Uncertain significance. Last evaluated: 2022-04-28. Review status: criteria provided, single submitter. Criteria: LabCorp Variant Classification Summary - May 2015. Collection method: clinical testing. Allele origin: germline.

Literature cited by the submitters: PubMed 28272408 (cited by Ambry Genetics and Quest Diagnostics Nichols Institute San Juan Capistrano).